The following is an entry in ClinVar:

NM_001323289.2(CDKL5):c.2494C>T (p.Gln832Ter)

Gene: CDKL5 (cyclin dependent kinase like 5; plus strand). Cytogenetic location: Xp22.13.
Variant type: single nucleotide variant.
Coding change: c.2494C>T on transcript NM_001323289.2 (MANE Select); coding-DNA position 2494, C replaced by T.
Protein change: p.Gln832Ter; replaces glutamine 832 with a stop codon.
Molecular consequence: nonsense.
Genome position (GRCh38, 1-based): chrX:18,625,245, C>T. VCF-style: chrX-18625245-C-T. GRCh37 (hg19) VCF-style: chrX-18643365-C-T.
Other names: NM_001323289.2(CDKL5):c.2494C>T; p.Gln832Ter; NC_000023.10:g.18643365C>T; c.2494C>T, p.Gln832Ter (NM_001037343.2, NM_003159.3); short protein forms Q832*.
Identifiers: ClinVar variation 189573 (VCV000189573.5), dbSNP rs17857094, ClinGen allele CA199392.

ClinVar aggregate classification (germline): Pathogenic. Review status: criteria provided, single submitter (1 of 4 stars). 2 submissions from 2 submitters: Pathogenic (1). 1 of the submissions does not count toward it. Last evaluated 2024-08-21.

Conditions:
CDKL5 disorder. Identifiers: MedGen CN296942, MONDO:0100039.
Developmental and epileptic encephalopathy, 2 (DEE2). Also called: INFANTILE SPASM SYNDROME, X-LINKED 2; CDKL5 deficiency disorder. Identifiers: Orphanet 1934, Orphanet 3451, Orphanet 505652, MedGen C4750718, MONDO:0010396, OMIM 300672.

Submissions (3):

Centre for Population Genomics, CPG
Classification: Pathogenic for CDKL5 disorder. Last evaluated: 2024-08-21. Review status: criteria provided, single submitter. Criteria: McKnight et al. (Hum Mutat. 2022). Collection method: curation. Allele origin: germline. Inheritance: X-linked inheritance.
Comment: This variant has been collected from RettBASE and curated to current modified ACMG/AMP criteria. Based on the classification scheme defined by the ClinGen Rett/Angelman-like Expert Panel for Rett/AS-like Disorders Specifications to the ACMG/AMP Variant Interpretation Guidelines VCEP 3.0, this variant is classified as pathogenic. At least the following criteria are met: Predicted to result in loss of function, and LOF is a known mechanism of disease (PVS1). Has been observed in at least 2 individuals with phenotypes consistent with CDKL5 disorder (PS4_Supporting).PMID: 23647072, 25951140 This variant is absent from gnomAD V4 (PM2_Supporting).

RettBASE
Classification: Pathogenic for Epileptic encephalopathy, early infantile, 2. Last evaluated: 2014-03-13. Review status: no assertion criteria provided. Collection method: curation. Allele origin: de novo. Affected: yes. Observed: 1 variant allele. Not counted in ClinVar's aggregate classification.
Comment: Truncation causing loss of C-terminus including potential nuclear export signal, also not in 1000 genomes or ESP

Dr. Peter K. Rogan Lab, Western University
No classification provided (evidence only). Condition: Thyroid cancer, nonmedullary, 1. Review status: no classification provided. Collection method: in vitro. Allele origin: not applicable. Functional consequence: retained intron. Not counted in ClinVar's aggregate classification.

Literature cited by the submitters: PubMed 23647072 (cited by RettBASE).